The following is an entry in ClinVar:

ClinVar aggregate classification (germline): Likely benign (1 of 4 stars; one submission).

gnomAD v4.1: 1 of 1,606,952 alleles (0.000062%); highest among the groups gnomAD compares: Non-Finnish European, 0.000085%; no homozygotes.

Submission:

CeGaT Center for Human Genetics Tuebingen
Classification: Likely benign. Last evaluated: 2026-04-01. Review status: criteria provided, single submitter. Criteria: CeGaT Center For Human Genetics Tuebingen Variant Classification Criteria Version 2. Collection method: clinical testing. Allele origin: germline. Affected: yes. Observed: 1 variant allele.
Comment: CIROZ: BP4, BP7

NM_001170754.2(CIROZ):c.1260C>T (p.Leu420=)

Gene: CIROZ (ciliated left-right organizer protein containing ZP-N domains; minus strand). Cytogenetic location: 1p36.22.
Variant type: single nucleotide variant.
Coding change: c.1260C>T on transcript NM_001170754.2 (MANE Select); coding-DNA position 1260, C replaced by T.
Protein change: p.Leu420=; no amino-acid change (leucine 420 retained).
Molecular consequence: synonymous variant.
Genome position (GRCh38, 1-based): chr1:10,949,654, G>A on the plus strand (C>T on the coding strand, the complement: CIROZ is on the minus strand). VCF-style: chr1-10949654-G-A. GRCh37 (hg19) VCF-style: chr1-11009711-G-A.
Other names: c.843C>T, p.Leu281= (NM_001366227.2).
Identifiers: ClinVar variation 4874831 (VCV004874831.2).